The following is an entry in ClinVar:

ClinVar aggregate classification (germline): Pathogenic (1 of 4 stars; one submission).

Conditions:
Peroxisome biogenesis disorder. Identifiers: Orphanet 79189, MedGen C1832200, MONDO:0019234. Disease mechanism: loss of function.

Submission:

Myriad Genetics, Inc.
Classification: Pathogenic for Peroxisome biogenesis disorder. Last evaluated: 2024-12-25. Review status: criteria provided, single submitter. Criteria: Myriad Autosomal Dominant, Autosomal Recessive and X-Linked Classification Criteria (2023). Collection method: clinical testing. Allele origin: unknown.
Comment: NM_000466.2(PEX1):c.1278dupG(H427Afs*14) is expected to be pathogenic in the context of peroxisome biogenesis disorder type 1. This variant is predicted to lead to an abnormal or absent protein product due to the creation of a premature termination codon in PEX1, a gene where loss-of-function variants are known to be pathogenic. Please note: this variant was assessed in the context of healthy population screening.

NM_000466.3(PEX1):c.1278dup (p.His427fs)

Gene: PEX1 (peroxisomal biogenesis factor 1; minus strand). Cytogenetic location: 7q21.2.
Variant type: Duplication.
Coding change: c.1278dup on transcript NM_000466.3 (MANE Select); coding-DNA position 1278, one base duplicated (G; older notation c.1278dupG).
Protein change: p.His427fs; shifts the reading frame from histidine 427.
Molecular consequence: frameshift variant.
Genome position (GRCh38, 1-based): chr7:92,513,929, C duplicated on the plus strand (G on the coding strand, the reverse complement: PEX1 is on the minus strand). VCF-style (leftmost placement, unchanged base first): chr7-92513928-G-GC. GRCh37 (hg19) VCF-style: chr7-92143242-G-GC.
Other names: c.1278dup, p.His427fs (NM_001282677.2); c.654dup, p.His219fs (NM_001282678.2); short protein forms H219fs, H427fs.
Identifiers: ClinVar variation 5013890 (VCV005013890.1).